The following is an entry in ClinVar:

NM_003640.5(ELP1):c.1331C>T (p.Ala444Val)

Gene: ELP1 (elongator acetyltransferase complex subunit 1; minus strand). Cytogenetic location: 9q31.3.
Variant type: single nucleotide variant.
Coding change: c.1331C>T on transcript NM_003640.5 (MANE Select); coding-DNA position 1331, C replaced by T.
Protein change: p.Ala444Val; replaces alanine 444 with valine.
Molecular consequence: missense variant.
Genome position (GRCh38, 1-based): chr9:108,911,039, G>A on the plus strand (C>T on the coding strand, the complement: ELP1 is on the minus strand). VCF-style: chr9-108911039-G-A. GRCh37 (hg19) VCF-style: chr9-111673319-G-A.
Other names: c.989C>T, p.Ala330Val (NM_001318360.2); c.284C>T, p.Ala95Val (NM_001330749.2); short protein forms A330V, A95V, A444V.
Identifiers: ClinVar variation 1391111 (VCV001391111.6), dbSNP rs2132013549, ClinGen allele CA374428630.

ClinVar aggregate classification (germline): Uncertain significance (1 of 4 stars; one submission).

Submission:

Labcorp Genetics (formerly Invitae), Labcorp
Classification: Uncertain significance. Last evaluated: 2021-11-03. Review status: criteria provided, single submitter. Criteria: Invitae Variant Classification Sherloc (09022015). Collection method: clinical testing. Allele origin: germline.
Comment: In summary, the available evidence is currently insufficient to determine the role of this variant in disease. Therefore, it has been classified as a Variant of Uncertain Significance. Algorithms developed to predict the effect of sequence changes on RNA splicing suggest that this variant may create or strengthen a splice site. Algorithms developed to predict the effect of missense changes on protein structure and function (SIFT, PolyPhen-2, Align-GVGD) all suggest that this variant is likely to be tolerated. This variant has not been reported in the literature in individuals affected with ELP1-related conditions. This variant is not present in population databases (gnomAD no frequency). This sequence change replaces alanine, which is neutral and non-polar, with valine, which is neutral and non-polar, at codon 444 of the ELP1 protein (p.Ala444Val).